The following is an entry in ClinVar:

ClinVar aggregate classification (germline): Conflicting classifications of pathogenicity. Review status: criteria provided, conflicting classifications (1 of 4 stars). 6 submissions from 6 submitters: Uncertain significance (2); Likely benign (3). 1 of the submissions does not count toward it. Last evaluated 2025-12-29.

Conditions:
TJP2-related disorder. Also called: TJP2-related condition.
Inborn genetic diseases. Identifiers: MedGen C0950123, MeSH D030342.

Allele frequency attached by ClinVar (database versions not stated): ESP Exome Variant Server 0.00154; 1000 Genomes Project 30x 0.00156; 1000 Genomes Project 0.00160; TOPMed 0.00163.
gnomAD v4.1: 404 of 1,612,646 alleles (0.025%); highest among the groups gnomAD compares: African/African-American, 0.49%; no homozygotes.

Submissions (6):

Labcorp Genetics (formerly Invitae), Labcorp
Classification: Likely benign. Last evaluated: 2025-12-29. Review status: criteria provided, single submitter. Criteria: Invitae Variant Classification Sherloc (09022015). Collection method: clinical testing. Allele origin: germline.

Mayo Clinic Laboratories, Mayo Clinic
Classification: Likely benign. Last evaluated: 2025-08-12. Review status: criteria provided, single submitter. Criteria: ACMG Guidelines, 2015. Collection method: clinical testing. Allele origin: germline. Observed: 3 variant alleles.
Comment: BS1, BP4_moderate

Ambry Genetics
Classification: Uncertain significance for Inborn genetic diseases. Last evaluated: 2023-02-28. Review status: criteria provided, single submitter. Criteria: Ambry Variant Classification Scheme 2023. Collection method: clinical testing. Allele origin: germline.

GeneDx
Classification: Likely benign. Last evaluated: 2020-07-23. Review status: criteria provided, single submitter. Criteria: GeneDx Variant Classification Process June 2021. Collection method: clinical testing. Allele origin: germline. Affected: yes.
Comment: In silico analysis supports that this missense variant does not alter protein structure/function; Has not been previously published as pathogenic or benign to our knowledge

Eurofins Ntd Llc (ga)
Classification: Uncertain significance. Last evaluated: 2016-03-29. Review status: criteria provided, single submitter. Criteria: EGL Classification Definitions 2015. Collection method: clinical testing. Allele origin: germline. Observed: 1 variant allele, 1 heterozygote.

PreventionGenetics, part of Exact Sciences
Classification: Likely benign for TJP2-related condition. Last evaluated: 2022-02-11. Review status: no assertion criteria provided. Collection method: clinical testing. Allele origin: germline. Not counted in ClinVar's aggregate classification.
Comment: This variant is classified as likely benign based on ACMG/AMP sequence variant interpretation guidelines (Richards et al. 2015 PMID: 25741868, with internal and published modifications).

NM_004817.4(TJP2):c.395C>G (p.Pro132Arg)

Gene: TJP2 (tight junction protein 2; plus strand). Cytogenetic location: 9q21.11.
Variant type: single nucleotide variant.
Coding change: c.395C>G on transcript NM_004817.4 (MANE Select); coding-DNA position 395, C replaced by G.
Protein change: p.Pro132Arg; replaces proline 132 with arginine.
Molecular consequence: missense variant.
Genome position (GRCh38, 1-based): chr9:69,220,939, C>G. VCF-style: chr9-69220939-C-G. GRCh37 (hg19) VCF-style: chr9-71835855-C-G.
Other names: p.Pro132Arg; c.395C>G, p.Pro132Arg (LRG_1201t1, NM_001369872.1, NM_001369873.1 and 1 more transcripts); c.326C>G, p.Pro109Arg (NM_001170414.2, NM_001369870.1, NM_001369871.1); c.407C>G, p.Pro136Arg (NM_001170415.1, NM_001369874.1, NM_001369875.1); c.488C>G, p.Pro163Arg (NM_001170416.2); short protein forms P163R, P132R, P109R, P136R.
Identifiers: ClinVar variation 281737 (VCV000281737.21), dbSNP rs141496493, ClinGen allele CA5073001.